The following is an entry in ClinVar:

ClinVar aggregate classification (germline): Likely pathogenic (1 of 4 stars; one submission).

Conditions:
Hereditary acrodermatitis enteropathica (AEZ). Also called: Acrodermatitis enteropathica. Identifiers: Orphanet 37, MedGen C0221036, MONDO:0008713, OMIM 201100.

Submission:

Natera, Inc.
Classification: Likely pathogenic for Acrodermatitis enteropathica. Last evaluated: 2026-01-22. Review status: criteria provided, single submitter. Criteria: Natera Variant Classification Schema (03/2026). Collection method: clinical testing. Allele origin: germline.
Comment: The c.1247_1256del variant in SLC39A4 is a frameshift variant predicted to shift the reading frame beginning at codon 416 and leads to a stop codon 64 codons downstream. This variant is expected to result in nonsense mediated decay, truncation, or a dysfunctional protein product. This variant is rare in the general population with a frequency below the threshold expected for the associated phenotype(s). Given the available evidence, this variant is classified as Likely Pathogenic.

NM_130849.4(SLC39A4):c.1247_1256del (p.Phe416fs)

Gene: SLC39A4 (solute carrier family 39 member 4; minus strand). Cytogenetic location: 8q24.3.
Variant type: Deletion.
Coding change: c.1247_1256del on transcript NM_130849.4 (MANE Select); coding-DNA positions 1247 to 1256, 10 bases deleted (TTGAGAACCT; older notation c.1247_1256delTTGAGAACCT).
Protein change: p.Phe416fs; shifts the reading frame from phenylalanine 416.
Molecular consequence: frameshift variant.
Genome position (GRCh38, 1-based): chr8:144,413,989-144,413,998, AGGTTCTCAA deleted on the plus strand (TTGAGAACCT on the coding strand, the reverse complement: SLC39A4 is on the minus strand); deleting any 10 consecutive bases within chr8:144,413,989-144,413,999 gives the same sequence; the c. name uses the placement nearest the transcript's 3' end. VCF-style (leftmost placement, unchanged base first): chr8-144413988-GAGGTTCTCAA-G. GRCh37 (hg19) VCF-style: chr8-145639372-GAGGTTCTCAA-G.
Other names: c.965_974del, p.Phe322fs (NM_001374839.1); c.1172_1181del, p.Phe391fs (NM_017767.3); short protein forms F322fs, F391fs, F416fs.
Identifiers: ClinVar variation 4816451 (VCV004816451.1).
Genomic context (GRCh38, chr8:144,413,988, plus strand): 5'-CCCGCCGGGTACCTTCCCAAGAAGCCTGACCTCCGGGTCCCTGGGCAGCAGGAGATTGAA[GAGGTTCTCAA>G]ACAGGAAGAAGGCGTAGAGCCCGGCCAGCATAGCCAGGAGGCGCCAGGTGGGCTGTGGGC-3'